The following is an entry in ClinVar:

ClinVar aggregate classification (germline): Benign (1 of 4 stars; one submission).

Conditions:
Hereditary sensory neuropathy-deafness-dementia syndrome. Also called: NEUROPATHY, HEREDITARY SENSORY, WITH HEARING LOSS AND DEMENTIA; Hereditary Sensory and Autonomic Neuropathy Type 1E (HSAN1E); Hereditary sensory neuropathy type IE; HSN IE. Identifiers: Orphanet 456318, MedGen C3279885, MONDO:0013584, OMIM 614116.

Allele frequency attached by ClinVar (database versions not stated): gnomAD 0.00255 and 0.00273; TOPMed 0.00265; 1000 Genomes Project 30x 0.00234; 1000 Genomes Project 0.00300.

Submission:

Illumina Laboratory Services, Illumina
Classification: Benign for Hereditary sensory neuropathy-deafness-dementia syndrome. Last evaluated: 2018-01-13. Review status: criteria provided, single submitter. Criteria: ICSL Variant Classification Criteria 13 December 2019. Collection method: clinical testing. Allele origin: germline.
Comment: This variant was observed in the ICSL laboratory as part of a predisposition screen in an ostensibly healthy population. It had not been previously curated by ICSL or reported in the Human Gene Mutation Database (HGMD: prior to June 1st, 2018), and was therefore a candidate for classification through an automated scoring system. Utilizing variant allele frequency, disease prevalence and penetrance estimates, and inheritance mode, an automated score was calculated to assess if this variant is too frequent to cause the disease. Based on the score and internal cut-off values, a variant classified as benign is not then subjected to further curation. The score for this variant resulted in a classification of benign for this disease.

NM_001130823.1(DNMT1):c.*323C>G

Gene: DNMT1 (DNA methyltransferase 1; minus strand). Cytogenetic location: 19p13.2.
Variant type: single nucleotide variant.
Coding change: c.*323C>G on transcript NM_001130823.1; 323 bases downstream of the stop codon, C replaced by G.
Genome position (GRCh38, 1-based): chr19:10,133,344, G>C on the plus strand (C>G on the coding strand, the complement: DNMT1 is on the minus strand). VCF-style: chr19-10133344-G-C. GRCh37 (hg19) VCF-style: chr19-10244020-G-C.
Identifiers: ClinVar variation 369254 (VCV000369254.7), dbSNP rs146694575, ClinGen allele CA10654584.
Genomic context (GRCh38, chr19:10,133,344, plus strand): 5'-GAGCTTGTTCCTGTCTGACCTCAGCCAGAAGTCCCGTGCAAATCACGAATACCCACCCAG[G>C]GTGGTTTATAGGAGAGATTTATTTGAAGAAATATTACAACATATAAAAACTACATAAAGT-3'